The following is an entry in ClinVar:

NM_014003.4(DHX38):c.1481A>C (p.Asp494Ala)

Gene: DHX38 (DEAH-box helicase 38; plus strand). Cytogenetic location: 16q22.2.
Variant type: single nucleotide variant.
Coding change: c.1481A>C on transcript NM_014003.4 (MANE Select); coding-DNA position 1481, A replaced by C.
Protein change: p.Asp494Ala; replaces aspartic acid 494 with alanine.
Molecular consequence: missense variant.
Genome position (GRCh38, 1-based): chr16:72,101,594, A>C. VCF-style: chr16-72101594-A-C. GRCh37 (hg19) VCF-style: chr16-72135493-A-C.
Other names: c.1481A>C (NM_014003.3); short protein forms D494A.
Identifiers: ClinVar variation 1097669 (VCV001097669.12), dbSNP rs148774432, ClinGen allele CA8160323.
Genomic context (GRCh38, chr16:72,101,594, plus strand): 5'-AACTGGGAGATATAATGGGCGTCAAGAAGGAGGAAGAGCCAGATAAAGCTGTGACGGAGG[A>C]TGGGAAGGTGGACTACAGGTGGGCAGCCTCAGCCAGCAGCACATCAGCCTTGCTCCAAAG-3'
Protein context (NP_054722.2, residues 484-504): EEEPDKAVTE[Asp494Ala]GKVDYRTEQK

ClinVar aggregate classification (germline): Benign/Likely benign. Review status: criteria provided, multiple submitters, no conflicts (2 of 4 stars). 3 submissions from 3 submitters: Benign (1); Likely benign (1). 1 of the submissions does not count toward it. Last evaluated 2026-01-18.

Conditions:
DHX38-related disorder. Also called: DHX38-related condition.

Allele frequency attached by ClinVar (database versions not stated): ESP Exome Variant Server 0.00008; gnomAD 0.00027 and 0.00029; TOPMed 0.00032; gnomAD exomes 0.00058; ExAC 0.00081.
gnomAD v4.1: 370 of 1,551,612 alleles (0.024%); highest among the groups gnomAD compares: Admixed American, 0.065%; no homozygotes.

Submissions (3):

Labcorp Genetics (formerly Invitae), Labcorp
Classification: Likely benign. Last evaluated: 2026-01-18. Review status: criteria provided, single submitter. Criteria: Invitae Variant Classification Sherloc (09022015). Collection method: clinical testing. Allele origin: germline.

Blueprint Genetics
Classification: Benign. Last evaluated: 2024-10-09. Review status: criteria provided, single submitter. Criteria: ACMG Guidelines, 2015. Collection method: clinical testing. Allele origin: germline.

PreventionGenetics, part of Exact Sciences
Classification: Likely benign for DHX38-related condition. Last evaluated: 2019-10-15. Review status: no assertion criteria provided. Collection method: clinical testing. Allele origin: germline. Not counted in ClinVar's aggregate classification.
Comment: This variant is classified as likely benign based on ACMG/AMP sequence variant interpretation guidelines (Richards et al. 2015 PMID: 25741868, with internal and published modifications).